The following is an entry in ClinVar:

NM_173630.4(RTTN):c.1729C>T (p.Gln577Ter)

Gene: RTTN (rotatin; minus strand). Cytogenetic location: 18q22.2.
Variant type: single nucleotide variant.
Coding change: c.1729C>T on transcript NM_173630.4 (MANE Select); coding-DNA position 1729, C replaced by T.
Protein change: p.Gln577Ter; replaces glutamine 577 with a stop codon.
Molecular consequence: nonsense. On other transcripts: 5 prime UTR variant (1).
Genome position (GRCh38, 1-based): chr18:70,166,992, G>A on the plus strand (C>T on the coding strand, the complement: RTTN is on the minus strand). VCF-style: chr18-70166992-G-A. GRCh37 (hg19) VCF-style: chr18-67834228-G-A.
Other names: c.-919C>T (NM_001318520.2); short protein forms Q577*.
Identifiers: ClinVar variation 4849406 (VCV004849406.1).

ClinVar aggregate classification (germline): Likely pathogenic (1 of 4 stars; one submission).

Conditions:
Microcephalic primordial dwarfism due to RTTN deficiency (MSSP). Also called: Microcephaly, short stature, and polymicrogyria with or without seizures; MICROCEPHALY, SHORT STATURE, AND POLYMICROGYRIA. Identifiers: Orphanet 468631, MedGen C3553831, MONDO:0018764, OMIM 614833.

gnomAD v4.1: 1 of 1,613,526 alleles (0.000062%); highest among the groups gnomAD compares: Non-Finnish European, 0.000085%; no homozygotes.

Submission:

First Genomix Gene Laboratory, Genetic Diagnostics Department
Classification: Likely pathogenic for Microcephalic primordial dwarfism due to RTTN deficiency. Last evaluated: 2025-05-27. Review status: criteria provided, single submitter. Criteria: ACMG Guidelines, 2015. Collection method: clinical testing. Allele origin: germline. Inheritance: Autosomal recessive inheritance. Affected: no. Observed: 1 variant allele.